The following is an entry in ClinVar:

ClinVar aggregate classification (germline): Uncertain significance (1 of 4 stars; one submission).

Submission:

Labcorp Genetics (formerly Invitae), Labcorp
Classification: Uncertain significance. Last evaluated: 2025-05-05. Review status: criteria provided, single submitter. Criteria: Invitae Variant Classification Sherloc (09022015). Collection method: clinical testing. Allele origin: germline.
Comment: This sequence change replaces arginine, which is basic and polar, with leucine, which is neutral and non-polar, at codon 133 of the AHDC1 protein (p.Arg133Leu). This variant is not present in population databases (gnomAD no frequency). This variant has not been reported in the literature in individuals affected with AHDC1-related conditions. ClinVar contains an entry for this variant (Variation ID: 1486726). An algorithm developed to predict the effect of missense changes on protein structure and function (PolyPhen-2) suggests that this variant is likely to be tolerated. In summary, the available evidence is currently insufficient to determine the role of this variant in disease. Therefore, it has been classified as a Variant of Uncertain Significance.

NM_001371928.1(AHDC1):c.398G>T (p.Arg133Leu)

Gene: AHDC1 (AT-hook DNA binding motif containing 1; minus strand). Cytogenetic location: 1p36.11.
Variant type: single nucleotide variant.
Coding change: c.398G>T on transcript NM_001371928.1 (MANE Select); coding-DNA position 398, G replaced by T.
Protein change: p.Arg133Leu; replaces arginine 133 with leucine.
Molecular consequence: missense variant.
Genome position (GRCh38, 1-based): chr1:27,551,718, C>A on the plus strand (G>T on the coding strand, the complement: AHDC1 is on the minus strand). VCF-style: chr1-27551718-C-A. GRCh37 (hg19) VCF-style: chr1-27878229-C-A.
Other names: c.398G>T, p.Arg133Leu (NM_001029882.3); short protein forms R133L.
Identifiers: ClinVar variation 1486726 (VCV001486726.6), dbSNP rs1312950480, ClinGen allele CA339237397.